The following is an entry in ClinVar:

ClinVar aggregate classification (germline): Pathogenic (1 of 4 stars; one submission).

Conditions:
Mowat-Wilson syndrome (MOWS). Also called: Classic Mowat-Wilson Syndrome. Identifiers: Orphanet 2152, MedGen C1856113, MONDO:0009341, OMIM 235730.

Submission:

Labcorp Genetics (formerly Invitae), Labcorp
Classification: Pathogenic for Mowat-Wilson syndrome. Last evaluated: 2017-02-15. Review status: criteria provided, single submitter. Criteria: Invitae Variant Classification Sherloc (09022015). Collection method: clinical testing. Allele origin: germline.
Comment: For these reasons, this variant has been classified as Pathogenic. While this particular variant has not been reported in the literature, loss-of-function variants in ZEB2 are known to be pathogenic (PMID: 16053902). This sequence change inserts 115 nucleotides in exon 8 of the ZEB2 mRNA (c.2038_2152dup), causing a frameshift at codon 718. This creates a premature translational stop signal (p.Asn718Serfs*14) and is expected to result in an absent or disrupted protein product.

Literature cited by the submitters: PubMed 16053902.

NM_014795.4(ZEB2):c.2038_2152dup (p.Asn718delinsSerCysGlyProSerSerGlyIleCysGluGlyMetValTer)

Gene: ZEB2 (zinc finger E-box binding homeobox 2; minus strand). Cytogenetic location: 2q22.3.
Variant type: Duplication.
Coding change: c.2038_2152dup on transcript NM_014795.4 (MANE Select); coding-DNA positions 2038 to 2152, 115 bases duplicated.
Protein change: p.Asn718delinsSerCysGlyProSerSerGlyIleCysGluGlyMetValTer.
Molecular consequence: nonsense.
Genome position (GRCh38, 1-based): chr2:144,399,035-144,399,149, 115 bases duplicated. GRCh37 (hg19): chr2:145,156,602-145,156,716.
Other names: c.1966_2080dup, p.Asn694delinsSerCysGlyProSerSerGlyIleCysGluGlyMetValTer (NM_001171653.2).
Identifiers: ClinVar variation 466279 (VCV000466279.6), dbSNP rs1553961598, ClinGen allele CA658657063.